The following is an entry in ClinVar:

ClinVar aggregate classification (germline): Uncertain significance. Review status: criteria provided, multiple submitters, no conflicts (2 of 4 stars). 2 submissions from 2 submitters: Uncertain significance (2). Last evaluated 2025-02-19.

Allele frequency attached by ClinVar (database versions not stated): gnomAD exomes below 0.00001; TOPMed below 0.00001.
gnomAD v4.1: 1 of 1,568,062 alleles (0.000064%); highest among the groups gnomAD compares: Non-Finnish European, 0.000088%; no homozygotes.

Submissions (2):

Labcorp Genetics (formerly Invitae), Labcorp
Classification: Uncertain significance. Last evaluated: 2025-02-19. Review status: criteria provided, single submitter. Criteria: Invitae Variant Classification Sherloc (09022015). Collection method: clinical testing. Allele origin: germline.
Comment: This sequence change replaces lysine, which is basic and polar, with threonine, which is neutral and polar, at codon 167 of the IMPG1 protein (p.Lys167Thr). This variant is not present in population databases (gnomAD no frequency). This variant has not been reported in the literature in individuals affected with IMPG1-related conditions. ClinVar contains an entry for this variant (Variation ID: 2955583). An algorithm developed to predict the effect of missense changes on protein structure and function outputs the following: PolyPhen-2: "Benign". The threonine amino acid residue is found in multiple mammalian species, which suggests that this missense change does not adversely affect protein function. In summary, the available evidence is currently insufficient to determine the role of this variant in disease. Therefore, it has been classified as a Variant of Uncertain Significance.

Blueprint Genetics
Classification: Uncertain significance. Last evaluated: 2024-10-01. Review status: criteria provided, single submitter. Criteria: ACMG Guidelines, 2015. Collection method: clinical testing. Allele origin: germline.

NM_001563.4(IMPG1):c.500A>C (p.Lys167Thr)

Gene: IMPG1 (interphotoreceptor matrix proteoglycan 1; minus strand). Cytogenetic location: 6q14.1.
Variant type: single nucleotide variant.
Coding change: c.500A>C on transcript NM_001563.4 (MANE Select); coding-DNA position 500, A replaced by C.
Protein change: p.Lys167Thr; replaces lysine 167 with threonine.
Molecular consequence: missense variant.
Genome position (GRCh38, 1-based): chr6:76,025,256, T>G on the plus strand (A>C on the coding strand, the complement: IMPG1 is on the minus strand). VCF-style: chr6-76025256-T-G. GRCh37 (hg19) VCF-style: chr6-76734973-T-G.
Other names: c.266A>C, p.Lys89Thr (NM_001282368.2); short protein forms K167T, K89T.
Identifiers: ClinVar variation 2955583 (VCV002955583.4), dbSNP rs1783505054, ClinGen allele CA364780198.